The following is an entry in ClinVar:

NM_144573.4(NEXN):c.457A>G (p.Ile153Val)

Gene: NEXN (nexilin F-actin binding protein; plus strand). Cytogenetic location: 1p31.1.
Variant type: single nucleotide variant.
Coding change: c.457A>G on transcript NM_144573.4 (MANE Select); coding-DNA position 457, A replaced by G.
Protein change: p.Ile153Val; replaces isoleucine 153 with valine.
Molecular consequence: missense variant.
Genome position (GRCh38, 1-based): chr1:77,925,197, A>G. VCF-style: chr1-77925197-A-G. GRCh37 (hg19) VCF-style: chr1-78390882-A-G.
Other names: c.265A>G, p.Ile89Val (NM_001172309.2); short protein forms I89V, I153V.
Identifiers: ClinVar variation 1741613 (VCV001741613.2), dbSNP rs1649751323, ClinGen allele CA340871139.

ClinVar aggregate classification (germline): Uncertain significance (1 of 4 stars; one submission).

Conditions:
Cardiovascular phenotype. Identifiers: MedGen CN230736.

Allele frequency attached by ClinVar (database versions not stated): gnomAD exomes below 0.00001.
gnomAD v4.1: 1 of 1,597,308 alleles (0.000063%); highest among the groups gnomAD compares: East Asian, 0.0022%; no homozygotes.

Submission:

Ambry Genetics
Classification: Uncertain significance for Cardiovascular phenotype. Last evaluated: 2021-10-13. Review status: criteria provided, single submitter. Criteria: Ambry Variant Classification Scheme 2023. Collection method: clinical testing. Allele origin: germline.
Comment: The p.I153V variant (also known as c.457A>G), located in coding exon 5 of the NEXN gene, results from an A to G substitution at nucleotide position 457. The isoleucine at codon 153 is replaced by valine, an amino acid with highly similar properties. This amino acid position is conserved. In addition, this alteration is predicted to be tolerated by in silico analysis. Since supporting evidence is limited at this time, the clinical significance of this alteration remains unclear.